The following is an entry in ClinVar:

ClinVar aggregate classification (germline): Uncertain significance. Review status: criteria provided, multiple submitters, no conflicts (2 of 4 stars). 2 submissions from 2 submitters: Uncertain significance (2). Last evaluated 2025-11-25.

gnomAD v4.1: 16 of 1,610,796 alleles (0.00099%); highest among the groups gnomAD compares: African/African-American, 0.0013%; no homozygotes.

Submissions (2):

Ambry Genetics
Classification: Uncertain significance. Last evaluated: 2025-11-25. Review status: criteria provided, single submitter. Criteria: Ambry Variant Classification Scheme 2023. Collection method: clinical testing. Allele origin: germline.

Labcorp Genetics (formerly Invitae), Labcorp
Classification: Uncertain significance. Last evaluated: 2024-09-08. Review status: criteria provided, single submitter. Criteria: Invitae Variant Classification Sherloc (09022015). Collection method: clinical testing. Allele origin: germline.
Comment: This sequence change replaces glycine, which is neutral and non-polar, with arginine, which is basic and polar, at codon 1085 of the FBN3 protein (p.Gly1085Arg). This variant is present in population databases (rs753183213, gnomAD 0.002%). This variant has not been reported in the literature in individuals affected with FBN3-related conditions. Invitae Evidence Modeling of protein sequence and biophysical properties (such as structural, functional, and spatial information, amino acid conservation, physicochemical variation, residue mobility, and thermodynamic stability) indicates that this missense variant is expected to disrupt FBN3 protein function with a positive predictive value of 80%. In summary, the available evidence is currently insufficient to determine the role of this variant in disease. Therefore, it has been classified as a Variant of Uncertain Significance.

NM_032447.5(FBN3):c.3253G>C (p.Gly1085Arg)

Gene: FBN3 (fibrillin 3; minus strand). Cytogenetic location: 19p13.2.
Variant type: single nucleotide variant.
Coding change: c.3253G>C on transcript NM_032447.5 (MANE Select); coding-DNA position 3253, G replaced by C.
Protein change: p.Gly1085Arg; replaces glycine 1085 with arginine.
Molecular consequence: missense variant.
Genome position (GRCh38, 1-based): chr19:8,118,981, C>G on the plus strand (G>C on the coding strand, the complement: FBN3 is on the minus strand). VCF-style: chr19-8118981-C-G. GRCh37 (hg19) VCF-style: chr19-8183865-C-G.
Other names: c.3253G>C, p.Gly1085Arg (NM_001321431.2); c.3253G>C (NM_032447.3); short protein forms G1085R.
Identifiers: ClinVar variation 3606917 (VCV003606917.3).